The following is an entry in ClinVar:

NM_014844.5(TECPR2):c.35_36del (p.Glu12fs)

Gene: TECPR2 (tectonin beta-propeller repeat containing 2; plus strand). Cytogenetic location: 14q32.31.
Variant type: Microsatellite.
Coding change: c.35_36del on transcript NM_014844.5 (MANE Select); coding-DNA positions 35 to 36, 2 bases deleted (AG; older notation c.35_36delAG).
Protein change: p.Glu12fs; shifts the reading frame from glutamic acid 12.
Molecular consequence: frameshift variant.
Genome position (GRCh38, 1-based): chr14:102,376,756-102,376,757, AG deleted; deleting any 2 consecutive bases within chr14:102,376,752-102,376,757 gives the same sequence; the c. name uses the placement nearest the transcript's 3' end. VCF-style (leftmost placement, unchanged base first): chr14-102376751-CAG-C. GRCh37 (hg19) VCF-style: chr14-102843088-CAG-C.
Other names: c.35_36del, p.Glu12fs (NM_001172631.3); c.35_36delAG (NM_014844.4); short protein forms E12fs.
Identifiers: ClinVar variation 1071035 (VCV001071035.8), dbSNP rs1259941860, ClinGen allele CA703205978.

ClinVar aggregate classification (germline): Pathogenic/Likely pathogenic. Review status: criteria provided, multiple submitters, no conflicts (2 of 4 stars). 3 submissions from 3 submitters: Pathogenic (1); Likely pathogenic (2). Last evaluated 2024-06-05.

Conditions:
Hereditary spastic paraplegia 49 (HSAN9). Also called: Spastic paraplegia 49, autosomal recessive; NEUROPATHY, HEREDITARY SENSORY AND AUTONOMIC, TYPE IX, WITH DEVELOPMENTAL DELAY; TECPR2-Related Hereditary Sensory and Autonomic Neuropathy with Intellectual Disability. Identifiers: Orphanet 320385, MedGen C5190860, MONDO:0014016, OMIM 615031.

Submissions (3):

Natera, Inc.
Classification: Likely pathogenic for Autosomal recessive spastic paraplegia type 49. Last evaluated: 2024-06-05. Review status: criteria provided, single submitter. Criteria: Natera Variant Classification Schema (03/2026). Collection method: clinical testing. Allele origin: germline.
Comment: The c.35_36delAG variant in TECPR2 is a frameshift variant predicted to shift the reading frame beginning at codon 12 and leads to a stop codon 61 codons downstream. This variant is expected to result in nonsense mediated decay, truncation, or a dysfunctional protein product. This variant is rare in the general population with a frequency below the threshold expected for the associated phenotype(s). Given the available evidence, this variant is classified as Likely Pathogenic.

Fulgent Genetics
Classification: Likely pathogenic for Hereditary spastic paraplegia 49. Last evaluated: 2024-05-16. Review status: criteria provided, single submitter. Criteria: ACMG Guidelines, 2015. Collection method: clinical testing. Allele origin: germline.

Labcorp Genetics (formerly Invitae), Labcorp
Classification: Pathogenic for Hereditary spastic paraplegia 49. Last evaluated: 2023-01-28. Review status: criteria provided, single submitter. Criteria: Invitae Variant Classification Sherloc (09022015). Collection method: clinical testing. Allele origin: germline.
Comment: This sequence change creates a premature translational stop signal (p.Glu12Valfs*61) in the TECPR2 gene. It is expected to result in an absent or disrupted protein product. Loss-of-function variants in TECPR2 are known to be pathogenic (PMID: 23176824, 25590979). This variant is not present in population databases (gnomAD no frequency). This variant has not been reported in the literature in individuals affected with TECPR2-related conditions. For these reasons, this variant has been classified as Pathogenic.

Literature cited by the submitters: PubMed 23176824 (cited by Labcorp Genetics (formerly Invitae), Labcorp); PubMed 25590979 (cited by Labcorp Genetics (formerly Invitae), Labcorp).